The following is an entry in ClinVar:

ClinVar aggregate classification (germline): Uncertain significance (1 of 4 stars; one submission).

Conditions:
Cardiovascular phenotype. Identifiers: MedGen CN230736.

Submission:

Ambry Genetics
Classification: Uncertain significance for Cardiovascular phenotype. Last evaluated: 2022-03-07. Review status: criteria provided, single submitter. Criteria: Ambry Variant Classification Scheme 2023. Collection method: clinical testing. Allele origin: germline.
Comment: The p.R606G variant (also known as c.1816C>G), located in coding exon 14 of the DSP gene, results from a C to G substitution at nucleotide position 1816. The arginine at codon 606 is replaced by glycine, an amino acid with dissimilar properties. This amino acid position is conserved. In addition, the in silico prediction for this alteration is inconclusive. Since supporting evidence is limited at this time, the clinical significance of this alteration remains unclear.

NM_004415.4(DSP):c.1816C>G (p.Arg606Gly)

Gene: DSP (desmoplakin; plus strand). Cytogenetic location: 6p24.3.
Variant type: single nucleotide variant.
Coding change: c.1816C>G on transcript NM_004415.4 (MANE Select); coding-DNA position 1816, C replaced by G.
Protein change: p.Arg606Gly; replaces arginine 606 with glycine.
Molecular consequence: missense variant.
Genome position (GRCh38, 1-based): chr6:7,571,497, C>G. VCF-style: chr6-7571497-C-G. GRCh37 (hg19) VCF-style: chr6-7571730-C-G.
Other names: c.1816C>G, p.Arg606Gly (NM_001008844.3, NM_001319034.2); short protein forms R606G.
Identifiers: ClinVar variation 1780673 (VCV001780673.2), dbSNP rs372467697, ClinGen allele CA362679306.